The following is an entry in ClinVar:

NM_006231.4(POLE):c.1160T>C (p.Ile387Thr)

Gene: POLE (DNA polymerase epsilon, catalytic subunit; minus strand). Cytogenetic location: 12q24.33.
Variant type: single nucleotide variant.
Coding change: c.1160T>C on transcript NM_006231.4 (MANE Select); coding-DNA position 1160, T replaced by C.
Protein change: p.Ile387Thr; replaces isoleucine 387 with threonine.
Molecular consequence: missense variant.
Genome position (GRCh38, 1-based): chr12:132,675,464, A>G on the plus strand (T>C on the coding strand, the complement: POLE is on the minus strand). VCF-style: chr12-132675464-A-G. GRCh37 (hg19) VCF-style: chr12-133252050-A-G.
Other names: c.1160T>C (NM_006231.2); short protein forms I387T.
Identifiers: ClinVar variation 405743 (VCV000405743.15), dbSNP rs1060500833, ClinGen allele CA16613657.

ClinVar aggregate classification (germline): Uncertain significance. Review status: criteria provided, multiple submitters, no conflicts (2 of 4 stars). 2 submissions from 2 submitters: Uncertain significance (2). Last evaluated 2025-09-19.

Conditions:
Hereditary cancer-predisposing syndrome. Also called: Hereditary Cancer Syndrome; Hereditary neoplastic syndrome; Neoplastic Syndromes, Hereditary; Tumor predisposition. Identifiers: Orphanet 140162, MedGen C0027672, MeSH D009386, MONDO:0015356.

Submissions (2):

Ambry Genetics
Classification: Uncertain significance for Hereditary cancer-predisposing syndrome. Last evaluated: 2025-09-19. Review status: criteria provided, single submitter. Criteria: Ambry Variant Classification Scheme 2023. Collection method: clinical testing. Allele origin: germline.
Comment: The p.I387T variant (also known as c.1160T>C), located in coding exon 12 of the POLE gene, results from a T to C substitution at nucleotide position 1160. The isoleucine at codon 387 is replaced by threonine, an amino acid with similar properties. This amino acid position is conserved. In addition, this alteration is predicted to be tolerated by in silico analysis. Since supporting evidence is limited at this time, the clinical significance of this alteration remains unclear.

Labcorp Genetics (formerly Invitae), Labcorp
Classification: Uncertain significance. Last evaluated: 2025-07-07. Review status: criteria provided, single submitter. Criteria: Invitae Variant Classification Sherloc (09022015). Collection method: clinical testing. Allele origin: germline.
Comment: This sequence change replaces isoleucine, which is neutral and non-polar, with threonine, which is neutral and polar, at codon 387 of the POLE protein (p.Ile387Thr). This variant is not present in population databases (gnomAD no frequency). This variant has not been reported in the literature in individuals affected with POLE-related conditions. ClinVar contains an entry for this variant (Variation ID: 405743). Invitae Evidence Modeling of protein sequence and biophysical properties (such as structural, functional, and spatial information, amino acid conservation, physicochemical variation, residue mobility, and thermodynamic stability) indicates that this missense variant is not expected to disrupt POLE protein function with a negative predictive value of 80%. In summary, the available evidence is currently insufficient to determine the role of this variant in disease. Therefore, it has been classified as a Variant of Uncertain Significance.